The following is an entry in ClinVar:

NM_003002.4(SDHD):c.171T>C (p.Ser57=)

Gene: SDHD (succinate dehydrogenase complex subunit D; plus strand). Cytogenetic location: 11q23.1.
Variant type: single nucleotide variant.
Coding change: c.171T>C on transcript NM_003002.4 (MANE Select); coding-DNA position 171, T replaced by C.
Protein change: p.Ser57=; no amino-acid change (serine 57 retained).
Molecular consequence: synonymous variant. On other transcripts: non-coding transcript variant (1), intron variant (1).
Genome position (GRCh38, 1-based): chr11:112,088,868, T>C. VCF-style: chr11-112088868-T-C. GRCh37 (hg19) VCF-style: chr11-111959592-T-C.
Other names: c.54T>C, p.Ala18= (NM_001276504.2); c.171T>C, p.Ser57= (NM_001276506.2); c.169+895T>C (NM_001276503.2).
Identifiers: ClinVar variation 1153031 (VCV001153031.49), dbSNP rs2135269133, ClinGen allele CA476790213.

ClinVar aggregate classification (germline): Benign/Likely benign. Review status: criteria provided, multiple submitters, no conflicts (2 of 4 stars). 2 submissions from 2 submitters: Benign (1); Likely benign (1). Last evaluated 2025-03-17.

Conditions:
Pheochromocytoma/paraganglioma syndrome 1. Also called: Paragangliomas 1; Glomus tumors familial 1; Paraganglioma - glomus jugulare; SDHD-Related Hereditary Paraganglioma-Pheochromocytoma Syndrome; PARAGANGLIOMAS, FAMILIAL NONCHROMAFFIN, 1; PGL 1. Identifiers: Orphanet 29072, MedGen C3494181, MONDO:0008192, OMIM 168000.
Pheochromocytoma. Also called: MAX-Related Hereditary Paraganglioma-Pheochromocytoma Syndrome. Identifiers: Orphanet 29072, MedGen C0031511, MONDO:0008233, OMIM 171300, HP:0002666.
Cowden syndrome 3 (CWS3). Identifiers: Orphanet 201, MedGen CN166604, MONDO:0014045.
Paragangliomas with sensorineural hearing loss. Identifiers: MedGen C1868633.
Carney-Stratakis syndrome. Also called: PARAGANGLIOMA AND GASTROINTESTINAL STROMAL TUMOR. Identifiers: Orphanet 97286, MedGen C1847319, MONDO:0011740, OMIM 606864.

Submissions (2):

Myriad Genetics, Inc.
Classification: Benign for Pheochromocytoma/paraganglioma syndrome 1. Last evaluated: 2025-03-17. Review status: criteria provided, single submitter. Criteria: Myriad Autosomal Dominant, Autosomal Recessive and X-Linked Classification Criteria (2023). Collection method: clinical testing. Allele origin: unknown.
Comment: This variant is considered benign. This variant is a silent/synonymous amino acid change and it is not expected to impact splicing.

Labcorp Genetics (formerly Invitae), Labcorp
Classification: Likely benign for Carney-Stratakis syndrome; Paragangliomas with sensorineural hearing loss; Pheochromocytoma; Cowden syndrome 3. Last evaluated: 2019-12-16. Review status: criteria provided, single submitter. Criteria: Invitae Variant Classification Sherloc (09022015). Collection method: clinical testing. Allele origin: germline.